The following is an entry in ClinVar:

NM_024675.4(PALB2):c.3290dup (p.Pro1097_Lys1098insTer)

Gene: PALB2 (partner and localizer of BRCA2; minus strand). Cytogenetic location: 16p12.2.
Variant type: Duplication.
Coding change: c.3290dup on transcript NM_024675.4 (MANE Select); coding-DNA position 3290, one base duplicated (C; older notation c.3290dupC).
Protein change: p.Pro1097_Lys1098insTer.
Molecular consequence: frameshift variant. On other transcripts: nonsense (1), intron variant (8).
Genome position (GRCh38, 1-based): chr16:23,607,924, G duplicated on the plus strand (C on the coding strand, the reverse complement: PALB2 is on the minus strand); the first of 3 consecutive G bases (chr16:23,607,924-23,607,926); duplicating any one gives the same sequence. VCF-style (leftmost placement, unchanged base first): chr16-23607923-A-AG. GRCh37 (hg19) VCF-style: chr16-23619244-A-AG.
Other names: c.3290dupC (NM_024675.3); c.3230dup, p.Pro1077_Lys1078insTer (NM_001407296.1); c.3218dup, p.Pro1073_Lys1074insTer (NM_001407297.1); c.3128dup, p.Pro1043_Lys1044insTer (NM_001407298.1); c.3011dup, p.Pro1004_Lys1005insTer (NM_001407300.1); c.2405dup, p.Pro802_Lys803insTer (NM_001407304.1, NM_001407305.1, NM_001407306.1); c.2243dup, p.Pro748_Lys749insTer (NM_001407307.1); c.1502dup, p.Pro501_Lys502insTer (NM_001407312.1); and 7 more.
Identifiers: ClinVar variation 4861493 (VCV004861493.1).

ClinVar aggregate classification (germline): Pathogenic (1 of 4 stars; one submission).

Conditions:
Hereditary cancer-predisposing syndrome. Also called: Neoplastic Syndromes, Hereditary; Tumor predisposition; Hereditary Cancer Syndrome; Hereditary neoplastic syndrome. Identifiers: Orphanet 140162, MedGen C0027672, MeSH D009386, MONDO:0015356.

Submission:

Ambry Genetics
Classification: Pathogenic for Hereditary cancer-predisposing syndrome. Last evaluated: 2026-04-27. Review status: criteria provided, single submitter. Criteria: Ambry Variant Classification Scheme 2023. Collection method: clinical testing. Allele origin: germline.
Comment: The c.3290dupC pathogenic mutation, located in coding exon 12 of the PALB2 gene, results from a duplication of C at nucleotide position 3290, causing a translational frameshift with a predicted alternate stop codon (p.K1098*). This variant was reported in individual(s) with features consistent with PALB2-related cancer predisposition (Laraqui A et al. J Genomics, 2021 Sep;9:43-54). This variant is considered to be rare based on population cohorts in the Genome Aggregation Database (gnomAD). This alteration is expected to result in loss of function by premature protein truncation or nonsense-mediated mRNA decay. As such, this alteration is interpreted as a disease-causing mutation.

Literature cited by the submitters: PubMed 34646395.